The following is an entry in ClinVar:

NM_000124.4(ERCC6):c.2170-1G>A

Gene: ERCC6 (ERCC excision repair 6, chromatin remodeling factor; minus strand). Cytogenetic location: 10q11.23.
Variant type: single nucleotide variant.
Coding change: c.2170-1G>A on transcript NM_000124.4 (MANE Select); the canonical splice acceptor site of the intron before coding-DNA position 2170, G replaced by A.
Molecular consequence: splice acceptor variant.
Genome position (GRCh38, 1-based): chr10:49,478,471, C>T on the plus strand (G>A on the coding strand, the complement: ERCC6 is on the minus strand). VCF-style: chr10-49478471-C-T. GRCh37 (hg19) VCF-style: chr10-50686517-C-T.
Other names: c.2170-1G>A (NM_001346440.2).
Identifiers: ClinVar variation 1073323 (VCV001073323.10), dbSNP rs1310452605, ClinGen allele CA376723917.

ClinVar aggregate classification (germline): Pathogenic/Likely pathogenic. Review status: criteria provided, multiple submitters, no conflicts (2 of 4 stars). 2 submissions from 2 submitters: Pathogenic (1); Likely pathogenic (1). Last evaluated 2024-01-15.

Conditions:
UV-sensitive syndrome 1 (UVSS1). Identifiers: Orphanet 178338, MedGen C3551173, MONDO:0010909, OMIM 600630.
Lung cancer. Also called: Lung cancer, somatic; Malignant tumor of lung. Identifiers: MedGen C0242379, MONDO:0008903, OMIM 211980.
Cockayne syndrome type 2 (CSB). Also called: Cockayne Syndrome, Type II; COCKAYNE SYNDROME B. Identifiers: Orphanet 191, Orphanet 90322, MedGen C0751038, MONDO:0019570, OMIM 133540.
DE SANCTIS-CACCHIONE SYNDROME. Identifiers: MedGen C0265201, MONDO:0010217, OMIM 278800.
Age related macular degeneration 5. Identifiers: MedGen C3151063, MONDO:0013409, OMIM 613761.
Premature ovarian failure 11 (POF11). Identifiers: MedGen C4310783, MONDO:0014843, OMIM 616946.
Cerebrooculofacioskeletal syndrome 1 (COFS1). Also called: Cerebro-oculo-facio-skeletal syndrome 1. Identifiers: MedGen C0220722, MONDO:0008955, OMIM 214150.

Allele frequency attached by ClinVar (database versions not stated): gnomAD exomes 0.00001; TOPMed 0.00001.
gnomAD v4.1: 16 of 1,577,644 alleles (0.001%); highest among the groups gnomAD compares: Non-Finnish European, 0.0011%; no homozygotes.

Submissions (2):

Fulgent Genetics
Classification: Likely pathogenic for Cockayne syndrome type 2; Lung cancer; Cerebrooculofacioskeletal syndrome 1; DE SANCTIS-CACCHIONE SYNDROME; UV-sensitive syndrome 1; Age related macular degeneration 5; Premature ovarian failure 11. Last evaluated: 2024-01-15. Review status: criteria provided, single submitter. Criteria: ACMG Guidelines, 2015. Collection method: clinical testing. Allele origin: germline.

Labcorp Genetics (formerly Invitae), Labcorp
Classification: Pathogenic. Last evaluated: 2023-05-05. Review status: criteria provided, single submitter. Criteria: Invitae Variant Classification Sherloc (09022015). Collection method: clinical testing. Allele origin: germline.
Comment: Disruption of this splice site has been observed in individuals with ERCC6-related conditions (PMID: 19894250). This variant is present in population databases (no rsID available, gnomAD 0.002%). This sequence change affects an acceptor splice site in intron 10 of the ERCC6 gene. It is expected to disrupt RNA splicing. Variants that disrupt the donor or acceptor splice site typically lead to a loss of protein function (PMID: 16199547), and loss-of-function variants in ERCC6 are known to be pathogenic (PMID: 18628313, 29572252). For these reasons, this variant has been classified as Pathogenic. Algorithms developed to predict the effect of sequence changes on RNA splicing suggest that this variant may disrupt the consensus splice site. ClinVar contains an entry for this variant (Variation ID: 1073323).

Literature cited by the submitters: PubMed 19894250 (cited by Labcorp Genetics (formerly Invitae), Labcorp); PubMed 16199547 (cited by Labcorp Genetics (formerly Invitae), Labcorp); PubMed 18628313 (cited by Labcorp Genetics (formerly Invitae), Labcorp); PubMed 29572252 (cited by Labcorp Genetics (formerly Invitae), Labcorp).